The following is an entry in ClinVar:

NM_000292.3(PHKA2):c.524C>T (p.Ala175Val)

Gene: PHKA2 (phosphorylase kinase regulatory subunit alpha 2; minus strand). Cytogenetic location: Xp22.13.
Variant type: single nucleotide variant.
Coding change: c.524C>T on transcript NM_000292.3 (MANE Select); coding-DNA position 524, C replaced by T.
Protein change: p.Ala175Val; replaces alanine 175 with valine.
Molecular consequence: missense variant.
Genome position (GRCh38, 1-based): chrX:18,948,757, G>A on the plus strand (C>T on the coding strand, the complement: PHKA2 is on the minus strand). VCF-style: chrX-18948757-G-A. GRCh37 (hg19) VCF-style: chrX-18966875-G-A.
Other names: short protein forms A175V.
Identifiers: ClinVar variation 1800956 (VCV001800956.2), dbSNP rs2518500213, ClinGen allele CA412373250.

ClinVar aggregate classification (germline): Uncertain significance (1 of 4 stars; one submission).

Submission:

GeneDx
Classification: Uncertain significance. Last evaluated: 2026-02-04. Review status: criteria provided, single submitter. Criteria: GeneDx Variant Classification Process June 2021. Collection method: clinical testing. Allele origin: germline.
Comment: Not observed at significant frequency in large population cohorts (gnomAD); In silico analysis supports that this missense variant has a deleterious effect on protein structure/function; Has not been previously published as pathogenic or benign to our knowledge